The following is an entry in ClinVar:

NM_001277115.2(DNAH11):c.2784C>G (p.Asp928Glu)

Gene: DNAH11 (dynein axonemal heavy chain 11; plus strand). Cytogenetic location: 7p15.3.
Variant type: single nucleotide variant.
Coding change: c.2784C>G on transcript NM_001277115.2 (MANE Select); coding-DNA position 2784, C replaced by G.
Protein change: p.Asp928Glu; replaces aspartic acid 928 with glutamic acid.
Molecular consequence: missense variant.
Genome position (GRCh38, 1-based): chr7:21,599,903, C>G. VCF-style: chr7-21599903-C-G. GRCh37 (hg19) VCF-style: chr7-21639521-C-G.
Other names: short protein forms D928E.
Identifiers: ClinVar variation 3667914 (VCV003667914.2).
Genomic context (GRCh38, chr7:21,599,903, plus strand): 5'-AGAATTCATTGACGACATTGTGGTGGAAGGCTTTTTTCAGGCTATAATGCACGACTTAGA[C>G]TTCTTTCTGAAGAATACAGAGAAACAATTGAAACCGGCACCGTTTTTTCAAGCACAAATG-3'
Protein context (NP_001264044.1, residues 918-938): GFFQAIMHDL[Asp928Glu]FFLKNTEKQL

ClinVar aggregate classification (germline): Uncertain significance (1 of 4 stars; one submission).

Conditions:
Primary ciliary dyskinesia. Also called: Ciliary dyskinesia. Identifiers: Orphanet 244, MedGen C0008780, MONDO:0016575, HP:0012265.

Submission:

Labcorp Genetics (formerly Invitae), Labcorp
Classification: Uncertain significance for Primary ciliary dyskinesia. Last evaluated: 2024-11-05. Review status: criteria provided, single submitter. Criteria: Invitae Variant Classification Sherloc (09022015). Collection method: clinical testing. Allele origin: germline.
Comment: This sequence change replaces aspartic acid, which is acidic and polar, with glutamic acid, which is acidic and polar, at codon 928 of the DNAH11 protein (p.Asp928Glu). This variant is not present in population databases (gnomAD no frequency). This variant has not been reported in the literature in individuals affected with DNAH11-related conditions. Invitae Evidence Modeling of protein sequence and biophysical properties (such as structural, functional, and spatial information, amino acid conservation, physicochemical variation, residue mobility, and thermodynamic stability) indicates that this missense variant is not expected to disrupt DNAH11 protein function with a negative predictive value of 95%. In summary, the available evidence is currently insufficient to determine the role of this variant in disease. Therefore, it has been classified as a Variant of Uncertain Significance.